The following is an entry in ClinVar:

NM_015335.5(MED13L):c.2762del (p.Gly920_Leu921insTer)

Gene: MED13L (mediator complex subunit 13L; minus strand). Cytogenetic location: 12q24.21.
Variant type: Deletion.
Coding change: c.2762del on transcript NM_015335.5 (MANE Select); coding-DNA position 2762, one base deleted (T; older notation c.2762delT).
Protein change: p.Gly920_Leu921insTer.
Molecular consequence: nonsense.
Genome position (GRCh38, 1-based): chr12:115,997,038, A deleted on the plus strand (T on the coding strand, the reverse complement: MED13L is on the minus strand); the first of 2 consecutive A bases (chr12:115,997,038-115,997,039); deleting either gives the same sequence. VCF-style (leftmost placement, unchanged base first): chr12-115997037-TA-T. GRCh37 (hg19) VCF-style: chr12-116434842-TA-T.
Identifiers: ClinVar variation 2246696 (VCV002246696.2), dbSNP rs2499874839, ClinGen allele CA2580085866.
Genomic context (GRCh38, chr12:115,997,037, plus strand): 5'-CTGCCCTGGAAATGTTAATATATTGACAACTACCTTAATTTCCTCGGGCTTGGGACTTCC[TA>T]ATCCATCTTCCACTTCCATTTTGAATTCTGTGAGTTGTGTTGAAACCATACTGACCATAG-3'

ClinVar aggregate classification (germline): Pathogenic (1 of 4 stars; one submission).

Conditions:
Inborn genetic diseases. Identifiers: MedGen C0950123, MeSH D030342.

Submission:

Ambry Genetics
Classification: Pathogenic for Inborn genetic diseases. Last evaluated: 2021-09-30. Review status: criteria provided, single submitter. Criteria: Ambry Variant Classification Scheme 2023. Collection method: clinical testing. Allele origin: germline.
Comment: The c.2762delT (p.L921*) alteration, located in exon 15 (coding exon 15) of the MED13L gene, consists of a deletion of one nucleotide at position 2762, causing a translational frameshift with a predicted alternate stop codon at amino acid position 921. This alteration is expected to result in loss of function by premature protein truncation or nonsense-mediated mRNA decay. This variant was not reported in population-based cohorts in the Genome Aggregation Database (gnomAD). Based on the available evidence, this alteration is classified as pathogenic.